The following is an entry in ClinVar:

ClinVar aggregate classification (germline): Likely pathogenic (1 of 4 stars; one submission).

Conditions:
Cohen syndrome (COH1). Also called: PEPPER SYNDROME; Cutis verticis gyrata, retinitis pigmentosa, and sensorineural deafness. Identifiers: Orphanet 193, MedGen C0265223, MONDO:0008999, OMIM 216550.

Submission:

Natera, Inc.
Classification: Likely pathogenic for Cohen syndrome. Last evaluated: 2025-11-10. Review status: criteria provided, single submitter. Criteria: Natera Variant Classification Schema (03/2026). Collection method: clinical testing. Allele origin: germline.
Comment: The c.5855_5856del variant in VPS13B is a frameshift variant predicted to shift the reading frame beginning at codon 1952 and leads to a stop codon 29 codons downstream. This variant is expected to result in nonsense mediated decay, truncation, or a dysfunctional protein product. This variant is rare in the general population with a frequency below the threshold expected for the associated phenotype(s). Given the available evidence, this variant is classified as Likely Pathogenic.

NM_152564.5(VPS13B):c.5780_5781del (p.Glu1927fs)

Gene: VPS13B (vacuolar protein sorting 13 homolog B; plus strand). Cytogenetic location: 8q22.2.
Variant type: Microsatellite.
Coding change: c.5780_5781del on transcript NM_152564.5 (MANE Select); coding-DNA positions 5780 to 5781, 2 bases deleted (AG; older notation c.5780_5781delAG).
Protein change: p.Glu1927fs; shifts the reading frame from glutamic acid 1927.
Molecular consequence: frameshift variant.
Genome position (GRCh38, 1-based): chr8:99,642,370-99,642,371, AG deleted; deleting any 2 consecutive bases within chr8:99,642,368-99,642,371 gives the same sequence; the c. name uses the placement nearest the transcript's 3' end. VCF-style (leftmost placement, unchanged base first): chr8-99642367-TAG-T. GRCh37 (hg19) VCF-style: chr8-100654595-TAG-T.
Other names: c.5853_5854AG[1], p.Glu1952Alafs (NM_017890.4); c.5855_5856del, p.Glu1952fs (NM_017890.5); c.5855_5856del (NM_017890.4); short protein forms E1927fs, E1952fs.
Identifiers: ClinVar variation 4815962 (VCV004815962.1).